The following is an entry in ClinVar:

NM_000138.5(FBN1):c.243dup (p.Val82fs)

Gene: FBN1 (fibrillin 1; minus strand). Cytogenetic location: 15q21.1.
Variant type: Duplication.
Coding change: c.243dup on transcript NM_000138.5 (MANE Select); coding-DNA position 243, one base duplicated (T; older notation c.243dupT).
Protein change: p.Val82fs; shifts the reading frame from valine 82.
Molecular consequence: frameshift variant.
Genome position (GRCh38, 1-based): chr15:48,613,014, A duplicated on the plus strand (T on the coding strand, the reverse complement: FBN1 is on the minus strand); the first of 2 consecutive A bases (chr15:48,613,014-48,613,015); duplicating either gives the same sequence. VCF-style (leftmost placement, unchanged base first): chr15-48613013-C-CA. GRCh37 (hg19) VCF-style: chr15-48905210-C-CA.
Other names: c.243dup, p.Val82fs (NM_001406716.1, NM_001406717.1); short protein forms V82fs.
Identifiers: ClinVar variation 4531502 (VCV004531502.1).

ClinVar aggregate classification (germline): Pathogenic (1 of 4 stars; one submission).

Conditions:
Marfan syndrome (MFS). Also called: MARFAN SYNDROME, TYPE I; Marfan syndrome type 1; Marfan's syndrome; Marfan syndrome, classic; FBN1-Related Marfan Syndrome. Identifiers: Orphanet 284963, Orphanet 558, MedGen C0024796, MONDO:0007947, OMIM 154700.

Submission:

Victorian Clinical Genetics Services, Murdoch Childrens Research Institute
Classification: Pathogenic for Marfan syndrome. Last evaluated: 2025-06-16. Review status: criteria provided, single submitter. Criteria: ACMG Guidelines, 2015. Collection method: clinical testing. Allele origin: germline. Affected: no.
Comment: This variant is classified as Pathogenic. Evidence in support of pathogenic classification: Variant is predicted to cause nonsense-mediated decay (NMD) and loss of protein (premature termination codon is located at least 54 nucleotides upstream of the final exon-exon junction); Variant is absent from gnomAD (v2, v3 and v4); Other NMD-predicted variant(s) comparable to the one identified in this case have very strong previous evidence for pathogenicity (DECIPHER). Additional information: This gene is predominantly associated with autosomal dominant disease; autosomal recessive forms of Marfan syndrome have rarely been reported (PMID: 27274304; 31950671); Dominant negative and loss of function are known mechanisms of disease in this gene and are associated with FBN1-related disease. Variants predicted to result in nonsense mediated decay cause loss of function effects, and are more commonly associated with severe Marfan syndrome (MIM#154700). Missense variants with both dominant negative and loss of function effects on protein function, are associated with Marfan syndrome and ectopia lentis (MIM#129600) (OMIM, PMID: 29357934). The exact genotype-phenotype correlation for this gene is still unclear, and is compounded by variable expressivity (PMID: 20301510); Variants in this gene are known to have variable expressivity. The genotype-phenotype correlations for this gene are unclear, with single variants reported in patients with a range of phenotypes (PMID: 20301510, OMIM).

Literature cited by the submitters: PubMed 20301510; PubMed 29357934; PubMed 27274304.